The following is an entry in ClinVar:

ClinVar aggregate classification (germline): Uncertain significance. Review status: criteria provided, single submitter (1 of 4 stars). 2 submissions from 2 submitters: Uncertain significance (1). 1 of the submissions does not count toward it. Last evaluated 2022-07-17.

Conditions:
MIB1-related disorder. Also called: MIB1-related condition.
Inborn genetic diseases. Identifiers: MedGen C0950123, MeSH D030342.

Allele frequency attached by ClinVar (database versions not stated): gnomAD exomes below 0.00001.

Submissions (2):

Ambry Genetics
Classification: Uncertain significance for Inborn genetic diseases. Last evaluated: 2022-07-17. Review status: criteria provided, single submitter. Criteria: Ambry Variant Classification Scheme 2023. Collection method: clinical testing. Allele origin: germline.
Comment: The p.C85Y variant (also known as c.254G>A), located in coding exon 2 of the MIB1 gene, results from a G to A substitution at nucleotide position 254. The cysteine at codon 85 is replaced by tyrosine, an amino acid with highly dissimilar properties. This amino acid position is conserved. In addition, this alteration is predicted to be deleterious by in silico analysis. Since supporting evidence is limited at this time, the clinical significance of this alteration remains unclear.

PreventionGenetics, part of Exact Sciences
Classification: Uncertain significance for MIB1-related condition. Last evaluated: 2024-08-10. Review status: no assertion criteria provided. Collection method: clinical testing. Allele origin: germline. Not counted in ClinVar's aggregate classification.
Comment: The MIB1 c.254G>A variant is predicted to result in the amino acid substitution p.Cys85Tyr. To our knowledge, this variant has not been reported in the literature or in a large population database, indicating this variant is rare. At this time, the clinical significance of this variant is uncertain due to the absence of conclusive functional and genetic evidence.

NM_020774.4(MIB1):c.254G>A (p.Cys85Tyr)

Gene: MIB1 (MIB E3 ubiquitin protein ligase 1; plus strand). Cytogenetic location: 18q11.2.
Variant type: single nucleotide variant.
Coding change: c.254G>A on transcript NM_020774.4 (MANE Select); coding-DNA position 254, G replaced by A.
Protein change: p.Cys85Tyr; replaces cysteine 85 with tyrosine.
Molecular consequence: missense variant.
Genome position (GRCh38, 1-based): chr18:21,765,796, G>A. VCF-style: chr18-21765796-G-A. GRCh37 (hg19) VCF-style: chr18-19345757-G-A.
Other names: short protein forms C85Y.
Identifiers: ClinVar variation 1792930 (VCV001792930.3), dbSNP rs2510708386, ClinGen allele CA401760798.